The following is an entry in ClinVar:

ClinVar aggregate classification (germline): Benign (1 of 4 stars; one submission).

Conditions:
Familial hyperaldosteronism type III. Also called: FH III; Familial hyperaldosteronism type 3. Identifiers: Orphanet 251274, MedGen C3838758, MONDO:0013359, OMIM 613677.

Allele frequency attached by ClinVar (database versions not stated): gnomAD 0.00090 and 0.00089; 1000 Genomes Project 30x 0.00094; 1000 Genomes Project 0.00040.

Submission:

Illumina Laboratory Services, Illumina
Classification: Benign for Familial hyperaldosteronism type III. Last evaluated: 2018-01-13. Review status: criteria provided, single submitter. Criteria: ICSL Variant Classification Criteria 13 December 2019. Collection method: clinical testing. Allele origin: germline.
Comment: This variant was observed in the ICSL laboratory as part of a predisposition screen in an ostensibly healthy population. It had not been previously curated by ICSL or reported in the Human Gene Mutation Database (HGMD: prior to June 1st, 2018), and was therefore a candidate for classification through an automated scoring system. Utilizing variant allele frequency, disease prevalence and penetrance estimates, and inheritance mode, an automated score was calculated to assess if this variant is too frequent to cause the disease. Based on the score and internal cut-off values, a variant classified as benign is not then subjected to further curation. The score for this variant resulted in a classification of benign for this disease.

NM_000890.5(KCNJ5):c.*1302C>T

Gene: KCNJ5 (potassium inwardly rectifying channel subfamily J member 5; plus strand). Cytogenetic location: 11q24.3.
Variant type: single nucleotide variant.
Coding change: c.*1302C>T on transcript NM_000890.5 (MANE Select); 1302 bases downstream of the stop codon, C replaced by T.
Molecular consequence: 3 prime UTR variant.
Genome position (GRCh38, 1-based): chr11:128,918,033, C>T. VCF-style: chr11-128918033-C-T. GRCh37 (hg19) VCF-style: chr11-128787928-C-T.
Other names: c.*1302C>T (LRG_333t1, NM_001354169.2).
Identifiers: ClinVar variation 303665 (VCV000303665.6), dbSNP rs552826605, ClinGen allele CA10638542.
Genomic context (GRCh38, chr11:128,918,033, plus strand): 5'-TGAACCTGGGAGGTGGAGGTTGCAGTGAGCCAAGATCATGCCACTGCACTCCAGCCTGGG[C>T]GACAGAGCGAGACTCCATCTCAAAAAAAAAAAAAACATCAGCATCTGCCCCAGTTGTGGC-3'